The following is an entry in ClinVar:

ClinVar aggregate classification (germline): Uncertain significance (1 of 4 stars; one submission).

Conditions:
Neurodevelopmental disorder with hypotonia, neuropathy, and deafness (NEDHND). Also called: SPTBN4 Disorder; Myopathy, congenital, with neuropathy and deafness. Identifiers: MedGen C4479603, MONDO:0060496, OMIM 617519.

Submission:

MGZ Medical Genetics Center
Classification: Uncertain significance for Neurodevelopmental disorder with hypotonia, neuropathy, and deafness. Last evaluated: 2022-02-14. Review status: criteria provided, single submitter. Criteria: ACMG Guidelines, 2015. Collection method: clinical testing. Allele origin: germline. Affected: yes. Observed: 1 variant allele.
Comment: ACMG criteria applied: PM3, PM2_SUP, PP2, PP3

NM_020971.3(SPTBN4):c.455T>G (p.Leu152Arg)

Gene: SPTBN4 (spectrin beta, non-erythrocytic 4; plus strand). Cytogenetic location: 19q13.2.
Variant type: single nucleotide variant.
Coding change: c.455T>G on transcript NM_020971.3 (MANE Select); coding-DNA position 455, T replaced by G.
Protein change: p.Leu152Arg; replaces leucine 152 with arginine.
Molecular consequence: missense variant.
Genome position (GRCh38, 1-based): chr19:40,490,208, T>G. VCF-style: chr19-40490208-T-G. GRCh37 (hg19) VCF-style: chr19-40996115-T-G.
Other names: short protein forms L152R.
Identifiers: ClinVar variation 1709125 (VCV001709125.2), dbSNP rs2514932178, ClinGen allele CA405893565.